The following is an entry in ClinVar:

NM_006796.3(AFG3L2):c.1895G>A (p.Arg632Gln)

Gene: AFG3L2 (AFG3 like matrix AAA peptidase subunit 2; minus strand). Cytogenetic location: 18p11.21.
Variant type: single nucleotide variant.
Coding change: c.1895G>A on transcript NM_006796.3 (MANE Select); coding-DNA position 1895, G replaced by A.
Protein change: p.Arg632Gln; replaces arginine 632 with glutamine.
Molecular consequence: missense variant.
Genome position (GRCh38, 1-based): chr18:12,340,286, C>T on the plus strand (G>A on the coding strand, the complement: AFG3L2 is on the minus strand). VCF-style: chr18-12340286-C-T. GRCh37 (hg19) VCF-style: chr18-12340285-C-T.
Other names: c.1895G>A (NM_006796.2); short protein forms R632Q.
Identifiers: ClinVar variation 1027433 (VCV001027433.3), dbSNP rs1320367366, ClinGen allele CA401947012.
Genomic context (GRCh38, chr18:12,340,286, plus strand): 5'-TTTCTCAAGTCATCTTGAGCACCAGTTGTAATTCTTCCAAAGAAGATTTCTTCAGAGACT[C>T]GACCACCTAAAGTCATACACATCCTATCCAAGAGCTGCTCTTTGGTATAGAGGTATTGTT-3'
Protein context (NP_006787.2, residues 622-642): LDRMCMTLGG[Arg632Gln]VSEEIFFGRI

ClinVar aggregate classification (germline): Conflicting classifications of pathogenicity. Review status: criteria provided, conflicting classifications (1 of 4 stars). 2 submissions from 2 submitters: Likely pathogenic (1); Uncertain significance (1). Last evaluated 2026-08-03.

Conditions:
Spastic ataxia. Identifiers: Orphanet 316226, MedGen C1849156, MONDO:0017845, HP:0002497.

Allele frequency attached by ClinVar (database versions not stated): TOPMed below 0.00001; gnomAD exomes 0.00001.

Submissions (2):

GeneDx
Classification: Uncertain significance. Last evaluated: 2026-08-03. Review status: criteria provided, single submitter. Criteria: GeneDx Variant Classification Process June 2021. Collection method: clinical testing. Allele origin: germline.
Comment: Apparently de novo variant in a patient with early onset spastic ataxia in published literature, although detailed clinical information and familial segregation data were not provided (PMID: 34445196); In silico analysis supports that this missense variant has a deleterious effect on protein structure/function; This variant is associated with the following publications: (PMID: 34445196)

Molecular Medicine for Neurodegenerative and Neuromuscular Diseases Unit, IRCCS Fondazione Stella Maris
Classification: Likely pathogenic for Spastic ataxia. Last evaluated: 2021-07-12. Review status: criteria provided, single submitter. Criteria: ACMG Guidelines, 2015. Collection method: research. Allele origin: unknown. Affected: yes.